The following is an entry in ClinVar:

ClinVar aggregate classification (germline): Benign/Likely benign. Review status: criteria provided, multiple submitters, no conflicts (2 of 4 stars). 2 submissions from 2 submitters: Benign (1); Likely benign (1). Last evaluated 2024-12-08.

Conditions:
Infantile-onset X-linked spinal muscular atrophy. Also called: Spinal muscular atrophy, X-linked 2; AMC, DISTAL, X-LINKED; ARTHROGRYPOSIS, X-LINKED, TYPE I; SPINAL MUSCULAR ATROPHY, X-LINKED LETHAL INFANTILE; Spinal Muscular Atrophy, X-Linked Infantile. Identifiers: Orphanet 1145, MedGen C1844934, MONDO:0010532, OMIM 301830.

Allele frequency attached by ClinVar (database versions not stated): ExAC 0.00001; gnomAD 0.00002; TOPMed 0.00003.
gnomAD v4.1: 18 of 1,209,272 alleles (0.0015%); highest among the groups gnomAD compares: African/African-American, 0.0035%; no homozygotes.

Submissions (2):

Labcorp Genetics (formerly Invitae), Labcorp
Classification: Benign for Infantile-onset X-linked spinal muscular atrophy. Last evaluated: 2024-12-08. Review status: criteria provided, single submitter. Criteria: Invitae Variant Classification Sherloc (09022015). Collection method: clinical testing. Allele origin: germline.

CeGaT Center for Human Genetics Tuebingen
Classification: Likely benign. Last evaluated: 2023-09-01. Review status: criteria provided, single submitter. Criteria: CeGaT Center For Human Genetics Tuebingen Variant Classification Criteria Version 2. Collection method: clinical testing. Allele origin: germline. Affected: yes. Observed: 1 variant allele.
Comment: UBA1: BP4, BP7

NM_003334.4(UBA1):c.2823C>T (p.Ala941=)

Gene: UBA1 (ubiquitin like modifier activating enzyme 1; plus strand). Cytogenetic location: Xp11.3.
Variant type: single nucleotide variant.
Coding change: c.2823C>T on transcript NM_003334.4 (MANE Select); coding-DNA position 2823, C replaced by T.
Protein change: p.Ala941=; no amino-acid change (alanine 941 retained).
Molecular consequence: synonymous variant.
Genome position (GRCh38, 1-based): chrX:47,213,166, C>T. VCF-style: chrX-47213166-C-T. GRCh37 (hg19) VCF-style: chrX-47072565-C-T.
Other names: c.2823C>T, p.Ala941= (NM_153280.3).
Identifiers: ClinVar variation 1944877 (VCV001944877.29), dbSNP rs782425214, ClinGen allele CA10396197.